The following is an entry in ClinVar:

NM_001145809.2(MYH14):c.3401A>G (p.Gln1134Arg)

Gene: MYH14 (myosin heavy chain 14; plus strand). Cytogenetic location: 19q13.33.
Variant type: single nucleotide variant.
Coding change: c.3401A>G on transcript NM_001145809.2 (MANE Select); coding-DNA position 3401, A replaced by G.
Protein change: p.Gln1134Arg; replaces glutamine 1134 with arginine.
Molecular consequence: missense variant.
Genome position (GRCh38, 1-based): chr19:50,272,665, A>G. VCF-style: chr19-50272665-A-G. GRCh37 (hg19) VCF-style: chr19-50775922-A-G.
Other names: c.3278A>G (NM_024729.3); c.3302A>G, p.Gln1101Arg (NM_001077186.2); c.3278A>G, p.Gln1093Arg (NM_024729.4); short protein forms Q1093R, Q1134R, Q1101R.
Identifiers: ClinVar variation 595598 (VCV000595598.7), dbSNP rs934260773, ClinGen allele CA309568295.

ClinVar aggregate classification (germline): Uncertain significance. Review status: criteria provided, multiple submitters, no conflicts (2 of 4 stars). 3 submissions from 3 submitters: Uncertain significance (3). Last evaluated 2025-04-29.

Conditions:
Autosomal dominant nonsyndromic hearing loss 4A. Also called: Deafness, autosomal dominant 4A. Identifiers: Orphanet 90635, MedGen C1833503, MONDO:0010915, OMIM 600652.
Peripheral neuropathy-myopathy-hoarseness-hearing loss syndrome. Identifiers: Orphanet 397744, MedGen C3280556, MONDO:0013711, OMIM 614369.

Allele frequency attached by ClinVar (database versions not stated): gnomAD 0.00001; gnomAD exomes 0.00001 and 0.00003; TOPMed 0.00001.
gnomAD v4.1: 19 of 1,558,022 alleles (0.0012%); highest among the groups gnomAD compares: Admixed American, 0.0078%; no homozygotes.

Submissions (3):

Labcorp Genetics (formerly Invitae), Labcorp
Classification: Uncertain significance. Last evaluated: 2025-04-29. Review status: criteria provided, single submitter. Criteria: Invitae Variant Classification Sherloc (09022015). Collection method: clinical testing. Allele origin: germline.
Comment: This sequence change replaces glutamine, which is neutral and polar, with arginine, which is basic and polar, at codon 1093 of the MYH14 protein (p.Gln1093Arg). This variant is present in population databases (no rsID available, gnomAD 0.008%). This variant has not been reported in the literature in individuals affected with MYH14-related conditions. ClinVar contains an entry for this variant (Variation ID: 595598). Invitae Evidence Modeling of protein sequence and biophysical properties (such as structural, functional, and spatial information, amino acid conservation, physicochemical variation, residue mobility, and thermodynamic stability) indicates that this missense variant is not expected to disrupt MYH14 protein function with a negative predictive value of 80%. In summary, the available evidence is currently insufficient to determine the role of this variant in disease. Therefore, it has been classified as a Variant of Uncertain Significance.

Fulgent Genetics
Classification: Uncertain significance for Autosomal dominant nonsyndromic hearing loss 4A; Peripheral neuropathy-myopathy-hoarseness-hearing loss syndrome. Last evaluated: 2024-03-12. Review status: criteria provided, single submitter. Criteria: ACMG Guidelines, 2015. Collection method: clinical testing. Allele origin: germline.

Eurofins Ntd Llc (ga)
Classification: Uncertain significance. Last evaluated: 2018-01-12. Review status: criteria provided, single submitter. Criteria: EGL Classification Definitions 2015. Collection method: clinical testing. Allele origin: germline. Observed: 1 variant allele, 1 heterozygote.